The following is an entry in ClinVar:

ClinVar aggregate classification (germline): Likely benign (0 of 4 stars; one submission).

Conditions:
EPB41-related disorder. Also called: EPB41-related condition.

Allele frequency attached by ClinVar (database versions not stated): gnomAD exomes below 0.00001; gnomAD 0.00001; TOPMed 0.00001.
gnomAD v4.1: 3 of 1,612,050 alleles (0.00019%); highest among the groups gnomAD compares: Admixed American, 0.0017%; no homozygotes.

Submission:

PreventionGenetics, part of Exact Sciences
Classification: Likely benign for EPB41-related condition. Last evaluated: 2022-07-18. Review status: no assertion criteria provided. Collection method: clinical testing. Allele origin: germline.
Comment: This variant is classified as likely benign based on ACMG/AMP sequence variant interpretation guidelines (Richards et al. 2015 PMID: 25741868, with internal and published modifications).

NM_001376013.1(EPB41):c.681+9G>A

Gene: EPB41 (erythrocyte membrane protein band 4.1; plus strand). Cytogenetic location: 1p35.3.
Variant type: single nucleotide variant.
Coding change: c.681+9G>A on transcript NM_001376013.1 (MANE Select); 9 bases into the intron after coding-DNA position 681, G replaced by A.
Molecular consequence: intron variant.
Genome position (GRCh38, 1-based): chr1:28,993,551, G>A. VCF-style: chr1-28993551-G-A. GRCh37 (hg19) VCF-style: chr1-29320063-G-A.
Other names: c.54+9G>A (NM_203342.3, NM_004437.4, NM_001376022.1 and 7 more transcripts); c.681+9G>A (NM_001166005.2, NM_203343.3, NM_001376014.1 and 8 more transcripts).
Identifiers: ClinVar variation 3051804 (VCV003051804.2), dbSNP rs1243546789, ClinGen allele CA522082040.
Genomic context (GRCh38, chr1:28,993,551, plus strand): 5'-GCACTGCAAGGTTTCTTTGTTGGATGACACAGTTTATGAATGTGTTGTGGAGGTGAGTAT[G>A]TTTTCATTTCCAACAATCAGAACTCTTACAGGTGGTTTCATCTAGAGTTGCGTAAGTGGT-3'